The following is an entry in ClinVar:

ClinVar aggregate classification (germline): Uncertain significance (1 of 4 stars; one submission).

Conditions:
HDLBP-related disorder. Also called: HDLBP-related condition.

Allele frequency attached by ClinVar (database versions not stated): TOPMed below 0.00001.

Submission:

PreventionGenetics, part of Exact Sciences
Classification: Uncertain significance for HDLBP-related condition. Last evaluated: 2023-02-15. Review status: criteria provided, single submitter. Criteria: ACMG Guidelines, 2015. Collection method: clinical testing. Allele origin: germline.
Comment: The HDLBP c.782C>T variant is predicted to result in the amino acid substitution p.Pro261Leu. To our knowledge, this variant has not been reported in the literature or in a large population database, indicating this variant is rare. At this time, the clinical significance of this variant is uncertain due to the absence of conclusive functional and genetic evidence.

NM_005336.6(HDLBP):c.782C>T (p.Pro261Leu)

Gene: HDLBP (high density lipoprotein binding protein; minus strand). Cytogenetic location: 2q37.3.
Variant type: single nucleotide variant.
Coding change: c.782C>T on transcript NM_005336.6 (MANE Select); coding-DNA position 782, C replaced by T.
Protein change: p.Pro261Leu; replaces proline 261 with leucine.
Molecular consequence: missense variant.
Genome position (GRCh38, 1-based): chr2:241,256,275, G>A on the plus strand (C>T on the coding strand, the complement: HDLBP is on the minus strand). VCF-style: chr2-241256275-G-A. GRCh37 (hg19) VCF-style: chr2-242195690-G-A.
Other names: c.890C>T, p.Pro297Leu (NM_001243900.3); c.782C>T, p.Pro261Leu (NM_001320965.3, NM_001320966.3, NM_001320967.3 and 1 more transcripts); short protein forms P261L, P297L.
Identifiers: ClinVar variation 2628722 (VCV002628722.1), dbSNP rs2072605392, ClinGen allele CA351374741.
Genomic context (GRCh38, chr2:241,256,275, plus strand): 5'-ACAGCCTGAGCCAACTGTTCCTTCTCTCCAGTGAAGACAATCTCTGTCCGGTTCACGCTG[G>A]GTGGGGGGATGTTGATGCGCGTGCCTGTCTCCTGCATGATCTCGCCAACCAGTCTATTAT-3'
Protein context (NP_005327.1, residues 251-271): ETGTRINIPP[Pro261Leu]SVNRTEIVFT